The following is an entry in ClinVar:

ClinVar aggregate classification (germline): Pathogenic. Review status: criteria provided, multiple submitters, no conflicts (2 of 4 stars). 3 submissions from 3 submitters: Pathogenic (2). 1 of the submissions does not count toward it. Last evaluated 2021-05-04.

Conditions:
Hereditary cancer-predisposing syndrome. Also called: Neoplastic Syndromes, Hereditary; Tumor predisposition; Hereditary Cancer Syndrome; Hereditary neoplastic syndrome. Identifiers: Orphanet 140162, MedGen C0027672, MeSH D009386, MONDO:0015356.
Tuberous sclerosis syndrome (TSC). Also called: Tuberous Sclerosis Complex; Tuberous sclerosis. Identifiers: Orphanet 805, MedGen C0041341, MONDO:0001734.

Submissions (3):

Ambry Genetics
Classification: Pathogenic for Hereditary cancer-predisposing syndrome. Last evaluated: 2021-05-04. Review status: criteria provided, single submitter. Criteria: Ambry Variant Classification Scheme 2023. Collection method: clinical testing. Allele origin: germline.
Comment: The c.2660_2661delGT pathogenic mutation, located in coding exon 23 of the TSC2 gene, results from a deletion of two nucleotides at nucleotide positions 2660 to 2661, causing a translational frameshift with a predicted alternate stop codon (p.C887Sfs*27). This mutation, designated as c.2656_2657delGT, was reported in an individual with sporadic tuberous sclerosis complex; however, specific clinical information was not provided (Au KS et al. Genet Med, 2007 Feb;9:88-100). In addition to the clinical data presented in the literature, this alteration is expected to result in loss of function by premature protein truncation or nonsense-mediated mRNA decay. As such, this alteration is interpreted as a disease-causing mutation.

Mayo Clinic Laboratories, Mayo Clinic
Classification: Pathogenic. Last evaluated: 2020-05-26. Review status: criteria provided, single submitter. Criteria: ACMG Guidelines, 2015. Collection method: clinical testing. Allele origin: germline. Observed: 1 variant allele.
Comment: PVS1, PM2, PP4

Tuberous sclerosis database (TSC2)
No classification provided. Condition: TSC. Review status: no classification provided. Criteria: Tuberous Sclerosis Database Assertion Criteria 2015. Collection method: curation. Allele origin: germline. Affected: yes. Not counted in ClinVar's aggregate classification.

Literature cited by the submitters: PubMed 17304050 (cited by Ambry Genetics and Mayo Clinic Laboratories, Mayo Clinic).

NM_000548.5(TSC2):c.2660_2661del (p.Cys887fs)

Gene: TSC2 (TSC complex subunit 2; plus strand). Cytogenetic location: 16p13.3.
Variant type: Microsatellite.
Coding change: c.2660_2661del on transcript NM_000548.5 (MANE Select); coding-DNA positions 2660 to 2661, 2 bases deleted (GT; older notation c.2660_2661delGT).
Protein change: p.Cys887fs; shifts the reading frame from cysteine 887.
Molecular consequence: frameshift variant.
Genome position (GRCh38, 1-based): chr16:2,076,088-2,076,089, GT deleted; deleting any 2 consecutive bases within chr16:2,076,084-2,076,089 gives the same sequence; the c. name uses the placement nearest the transcript's 3' end. VCF-style (leftmost placement, unchanged base first): chr16-2076083-CGT-C. GRCh37 (hg19) VCF-style: chr16-2126084-CGT-C.
Other names: c.2660_2661del, p.Cys887fs (NM_001077183.3, NM_001114382.3, NM_001363528.2 and 3 more transcripts); c.2549_2550del, p.Cys850fs (NM_001318827.2); c.2513_2514del, p.Cys838fs (NM_001318829.2); c.2060_2061del, p.Cys687fs (NM_001318831.2); c.2693_2694del, p.Cys898fs (NM_001318832.2); short protein forms C838fs, C898fs, C687fs, C850fs, C887fs.
Identifiers: ClinVar variation 49221 (VCV000049221.9), dbSNP rs137854232, ClinGen allele CA017812.
Genomic context (GRCh38, chr16:2,076,083, plus strand): 5'-TTTCCCTGCTGCCAGGATGGAGTGCCAGCCCCCTTCTCATCTCAGGTTTAATCAGTACAT[CGT>C]GTGTCTGGCCCATCACGTCATAGCCATGTGGTTCATCAGGTGCCGCCTGCCCTTCCGGAA-3'